The following is an entry in ClinVar:

ClinVar aggregate classification (germline): Uncertain significance (1 of 4 stars; one submission).

Allele frequency attached by ClinVar (database versions not stated): gnomAD exomes 0.00001; TOPMed 0.00001; ExAC 0.00002.
gnomAD v4.1: 8 of 1,592,454 alleles (0.0005%); highest among the groups gnomAD compares: Admixed American, 0.0018%; no homozygotes.

Submission:

Labcorp Genetics (formerly Invitae), Labcorp
Classification: Uncertain significance. Last evaluated: 2022-07-05. Review status: criteria provided, single submitter. Criteria: Invitae Variant Classification Sherloc (09022015). Collection method: clinical testing. Allele origin: germline.
Comment: In summary, the available evidence is currently insufficient to determine the role of this variant in disease. Therefore, it has been classified as a Variant of Uncertain Significance. Algorithms developed to predict the effect of missense changes on protein structure and function are either unavailable or do not agree on the potential impact of this missense change (SIFT: "Deleterious"; PolyPhen-2: "Possibly Damaging"; Align-GVGD: "Class C0"). This variant has not been reported in the literature in individuals affected with WDR73-related conditions. The frequency data for this variant in the population databases is considered unreliable, as metrics indicate poor data quality at this position in the gnomAD database. This sequence change replaces tyrosine, which is neutral and polar, with cysteine, which is neutral and slightly polar, at codon 19 of the WDR73 protein (p.Tyr19Cys).

NM_032856.5(WDR73):c.56A>G (p.Tyr19Cys)

Gene: WDR73 (WD repeat domain 73; minus strand). Cytogenetic location: 15q25.2.
Variant type: single nucleotide variant.
Coding change: c.56A>G on transcript NM_032856.5 (MANE Select); coding-DNA position 56, A replaced by G.
Protein change: p.Tyr19Cys; replaces tyrosine 19 with cysteine.
Molecular consequence: missense variant. On other transcripts: non-coding transcript variant (4).
Genome position (GRCh38, 1-based): chr15:84,653,685, T>C on the plus strand (A>G on the coding strand, the complement: WDR73 is on the minus strand). VCF-style: chr15-84653685-T-C. GRCh37 (hg19) VCF-style: chr15-85196916-T-C.
Other names: short protein forms Y19C.
Identifiers: ClinVar variation 1992050 (VCV001992050.4), dbSNP rs771296208, ClinGen allele CA7707507.